The following is an entry in ClinVar:

NM_001330700.2(TOP2B):c.2813A>G (p.Asp938Gly)

Gene: TOP2B (DNA topoisomerase II beta; minus strand). Cytogenetic location: 3p24.2.
Variant type: single nucleotide variant.
Coding change: c.2813A>G on transcript NM_001330700.2 (MANE Select); coding-DNA position 2813, A replaced by G.
Protein change: p.Asp938Gly; replaces aspartic acid 938 with glycine.
Molecular consequence: missense variant.
Genome position (GRCh38, 1-based): chr3:25,620,731, T>C on the plus strand (A>G on the coding strand, the complement: TOP2B is on the minus strand). VCF-style: chr3-25620731-T-C. GRCh37 (hg19) VCF-style: chr3-25662222-T-C.
Other names: c.2798A>G, p.Asp933Gly (NM_001068.3); short protein forms D933G, D938G.
Identifiers: ClinVar variation 2955619 (VCV002955619.3), dbSNP rs1702636876, ClinGen allele CA351899407.
Genomic context (GRCh38, chr3:25,620,731, plus strand): 5'-TTTACACTGACCTGTGTCCAAGTTCTAACTGGAAGCTCTGTAATTTCTACTGTGTTTCTG[T>C]CCACTACAAATATTTCACCACTGACTGCATACTGGTTTTGACCAAGTTCTTGAATCGTGC-3'
Protein context (NP_001317629.1, residues 928-948): YAVSGEIFVV[Asp938Gly]RNTVEITELP

ClinVar aggregate classification (germline): Uncertain significance (1 of 4 stars; one submission).

Allele frequency attached by ClinVar (database versions not stated): gnomAD exomes below 0.00001; TOPMed below 0.00001; gnomAD 0.00001.
gnomAD v4.1: 2 of 1,613,086 alleles (0.00012%); highest among the groups gnomAD compares: Non-Finnish European, 0.00017%; no homozygotes.

Submission:

Labcorp Genetics (formerly Invitae), Labcorp
Classification: Uncertain significance. Last evaluated: 2023-03-14. Review status: criteria provided, single submitter. Criteria: Invitae Variant Classification Sherloc (09022015). Collection method: clinical testing. Allele origin: germline.
Comment: This sequence change replaces aspartic acid, which is acidic and polar, with glycine, which is neutral and non-polar, at codon 933 of the TOP2B protein (p.Asp933Gly). This variant is not present in population databases (gnomAD no frequency). This variant has not been reported in the literature in individuals affected with TOP2B-related conditions. An algorithm developed to predict the effect of missense changes on protein structure and function (PolyPhen-2) suggests that this variant is likely to be tolerated. In summary, the available evidence is currently insufficient to determine the role of this variant in disease. Therefore, it has been classified as a Variant of Uncertain Significance.